The following is an entry in ClinVar:

ClinVar aggregate classification (germline): Uncertain significance. Review status: criteria provided, multiple submitters, no conflicts (2 of 4 stars). 2 submissions from 2 submitters: Uncertain significance (2). Last evaluated 2025-11-20.

Conditions:
Epileptic encephalopathy. Identifiers: MedGen C0543888, HP:0200134.

Submissions (2):

Ambry Genetics
Classification: Uncertain significance. Last evaluated: 2025-11-20. Review status: criteria provided, single submitter. Criteria: Ambry Variant Classification Scheme 2023. Collection method: clinical testing. Allele origin: germline.

Labcorp Genetics (formerly Invitae), Labcorp
Classification: Uncertain significance for Epileptic encephalopathy. Last evaluated: 2021-07-09. Review status: criteria provided, single submitter. Criteria: Invitae Variant Classification Sherloc (09022015). Collection method: clinical testing. Allele origin: germline.
Comment: In summary, the available evidence is currently insufficient to determine the role of this variant in disease. Therefore, it has been classified as a Variant of Uncertain Significance. Algorithms developed to predict the effect of missense changes on protein structure and function are either unavailable or do not agree on the potential impact of this missense change (SIFT: "Deleterious"; PolyPhen-2: "Possibly Damaging"; Align-GVGD: "Class C15"). This variant has not been reported in the literature in individuals with FASN-related conditions. The frequency data for this variant in the population databases is considered unreliable, as metrics indicate insufficient coverage at this position in the ExAC database. This sequence change replaces glycine with arginine at codon 1668 of the FASN protein (p.Gly1668Arg). The glycine residue is highly conserved and there is a moderate physicochemical difference between glycine and arginine.

NM_004104.5(FASN):c.5002G>C (p.Gly1668Arg)

Gene: FASN (fatty acid synthase; minus strand). Cytogenetic location: 17q25.3.
Variant type: single nucleotide variant.
Coding change: c.5002G>C on transcript NM_004104.5 (MANE Select); coding-DNA position 5002, G replaced by C.
Protein change: p.Gly1668Arg; replaces glycine 1668 with arginine.
Molecular consequence: missense variant.
Genome position (GRCh38, 1-based): chr17:82,084,071, C>G on the plus strand (G>C on the coding strand, the complement: FASN is on the minus strand). VCF-style: chr17-82084071-C-G. GRCh37 (hg19) VCF-style: chr17-80041947-C-G.
Other names: short protein forms G1668R.
Identifiers: ClinVar variation 853418 (VCV000853418.10), dbSNP rs766731567, ClinGen allele CA401541428.